The following continues an entry in ClinVar:

NM_005633.4(SOS1):c.3347-1G>A

Gene: SOS1. ClinVar aggregate classification (germline): Conflicting classifications of pathogenicity. Uncertain significance (12); Likely benign (2).

Submissions 8 to 17 of 17:

Women's Health and Genetics/Laboratory Corporation of America, LabCorp
Classification: Uncertain significance. Last evaluated: 2023-08-03. Review status: criteria provided, single submitter. Criteria: LabCorp Variant Classification Summary - May 2015. Collection method: clinical testing. Allele origin: germline.
Comment: Variant summary: SOS1 c.3347-1G>A is located in a canonical splice-site and is predicted to affect mRNA splicing resulting in a significantly altered protein due to either exon skipping, shortening, or inclusion of intronic material. Several computational tools predict a significant impact on normal splicing: Four predict the variant abolishes the canonical 3' acceptor site. Three predict the variant creates an alternate 3' acceptor site. However, these predictions have yet to be confirmed by functional studies. The variant allele was found at a frequency of 0.00014 in 250350 control chromosomes (gnomAD). The observed variant frequency is approximately 4.5 fold of the estimated maximal expected allele frequency for a pathogenic variant in SOS1 causing Noonan Syndrome And Related Conditions phenotype (3e-05), strongly suggesting that the variant is benign. c.3347-1G>A has been reported in the literature in individuals with Noonan syndrome (Justino_2014) as well as non-specific phenotypes such as a IUGR on ultrasound (Hakami_2016), breast cancer (Torrezan_2018) and cafe-au-lait macules (Castellanos_2020). These report(s) do not provide unequivocal conclusions about association of the variant with Noonan Syndrome And Related Conditions. Seven submitters have cited clinical-significance assessments for this variant to ClinVar after 2014. All submitters classified the variant as uncertain significance. Activating (gain of function) mutations in the SOS1 gene, which participates in the RAS-MAPK pathway, have been reported in patients with Noonan syndrome. This splice-site variant is not consistent with the spectrum of SOS1 mutations (exclusively missense changes and small in-frame deletions reported) in patients with Noonan syndrome (Lepri et al, Human Mutation, 2011). Taken together, based on the evidence outlined above, this variant is classified as VUS-possibly benign, until more functional data become available.

CeGaT Center for Human Genetics Tuebingen
Classification: Uncertain significance. Last evaluated: 2023-07-01. Review status: criteria provided, single submitter. Criteria: CeGaT Center For Human Genetics Tuebingen Variant Classification Criteria Version 2. Collection method: clinical testing. Allele origin: germline. Affected: yes. Observed: 2 variant alleles.
Comment: SOS1: PP3

PreventionGenetics, part of Exact Sciences
Classification: Uncertain significance for SOS1-related condition. Last evaluated: 2023-01-13. Review status: criteria provided, single submitter. Criteria: ACMG Guidelines, 2015. Collection method: clinical testing. Allele origin: germline.
Comment: The SOS1 c.3347-1G>A variant is predicted to disrupt the AG splice acceptor site and interfere with normal splicing. This variant has been reported as a variant of uncertain significance or likely benign in multiple individuals with Noonan syndrome (Justino et al. 2015. PubMed ID: 24896146; Hakami et al. 2016. PubMed ID: 26918529; Table S2 - Leach et al. 2018. PubMed ID: 29907801). This variant is reported in 0.023% of alleles in individuals of European (Non-Finnish) descent in gnomAD, which is likely too common to be a pathogenic variant (Gelb et al. 2018. PubMed ID: 29493581). Nearly all pathogenic variants in SOS1 are missense and the clinical significance of loss-of-function variants are uncertain. Although we suspect that this variant may be benign, at this time, the clinical significance of this variant is uncertain due to the absence of conclusive functional and genetic evidence.

Fulgent Genetics
Classification: Uncertain significance for Fibromatosis, gingival, 1; Noonan syndrome 4. Last evaluated: 2022-04-05. Review status: criteria provided, single submitter. Criteria: ACMG Guidelines, 2015. Collection method: clinical testing. Allele origin: unknown.

Genome Diagnostics Laboratory, The Hospital for Sick Children
Classification: Uncertain significance for Noonan syndrome and Noonan-related syndrome. Last evaluated: 2020-07-13. Review status: criteria provided, single submitter. Criteria: ACMG Guidelines, 2015. Collection method: clinical testing. Allele origin: germline.

Laboratory for Molecular Medicine, Mass General Brigham Personalized Medicine
Classification: Uncertain significance. Last evaluated: 2013-12-02. Review status: criteria provided, single submitter. Criteria: LMM Criteria. Collection method: clinical testing. Allele origin: germline. Observed: 1 variant allele.
Comment: The 3347-1G>A variant in SOS1 has not been previously reported in individuals wi th clinical features of a Noonan spectrum disorder, but has been identified in 0 .03% (3/8600) of European American chromosomes by the NHLBI Exome Sequencing Pro ject (dbSNP rs141565234). The 3347-1G>A varia nt occurs in the invariant region (+/- 1,2) of the splice consensus sequence and is expected to cause altered splicing leading to an abnormal or absent protein. However, loss-of-function variants in SOS1 are not thought to be causative of N oonan spectrum disorders. Additional is needed to fully assess the clinical sign ificance of the 3347-1G>A variant.

Genome-Nilou Lab
Classification: Uncertain significance for Noonan syndrome 4. Review status: criteria provided, single submitter. Criteria: ACMG Guidelines, 2015. Collection method: clinical testing. Allele origin: germline.

Dr. Peter K. Rogan Lab, Western University
No classification provided (evidence only). Condition: Malignant tumor of urinary bladder. Review status: no classification provided. Collection method: in vitro. Allele origin: not applicable. Functional consequence: skipped exon, retained intron. Not counted in ClinVar's aggregate classification.

Dr. Peter K. Rogan Lab, Western University
No classification provided (evidence only). Condition: Hepatocellular carcinoma. Review status: no classification provided. Collection method: in vitro. Allele origin: not applicable. Functional consequence: skipped exon, retained intron. Not counted in ClinVar's aggregate classification.

Institute of Molecular Pathology and Immunology of the University of Porto (IPATIMUP)
No classification provided. Condition: Noonan syndrome 4. Review status: no classification provided. Collection method: not provided. Allele origin: germline. Not counted in ClinVar's aggregate classification.

Literature cited by the submitters: PubMed 24896146 (cited by Ambry Genetics and Women's Health and Genetics/Laboratory Corporation of America, LabCorp); PubMed 26918529 (cited by 3 submitters); PubMed 29868112 (cited by Ambry Genetics and Women's Health and Genetics/Laboratory Corporation of America, LabCorp); PubMed 30050098 (cited by Ambry Genetics); PubMed 30838730 (cited by Ambry Genetics); PubMed 31573083 (cited by 3 submitters); PubMed 16199547 (cited by Labcorp Genetics (formerly Invitae), Labcorp); PubMed 29907801 (cited by Labcorp Genetics (formerly Invitae), Labcorp); PubMed 36110220 (cited by Women's Health and Genetics/Laboratory Corporation of America, LabCorp).